The following is an entry in ClinVar:

ClinVar aggregate classification (germline): Uncertain significance (1 of 4 stars; one submission).

Allele frequency attached by ClinVar (database versions not stated): gnomAD exomes below 0.00001.

Submission:

Labcorp Genetics (formerly Invitae), Labcorp
Classification: Uncertain significance. Last evaluated: 2024-02-23. Review status: criteria provided, single submitter. Criteria: Invitae Variant Classification Sherloc (09022015). Collection method: clinical testing. Allele origin: germline.
Comment: This sequence change creates a premature translational stop signal (p.Arg448Lysfs*16) in the GUF1 gene. It is expected to result in an absent or disrupted protein product. However, the current clinical and genetic evidence is not sufficient to establish whether loss-of-function variants in GUF1 cause disease. This variant is not present in population databases (gnomAD no frequency). This variant has not been reported in the literature in individuals affected with GUF1-related conditions. ClinVar contains an entry for this variant (Variation ID: 1973188). In summary, the available evidence is currently insufficient to determine the role of this variant in disease. Therefore, it has been classified as a Variant of Uncertain Significance.

NM_021927.3(GUF1):c.1342dup (p.Arg448fs)

Gene: GUF1 (GTP binding elongation factor GUF1; plus strand). Cytogenetic location: 4p12.
Variant type: Duplication.
Coding change: c.1342dup on transcript NM_021927.3 (MANE Select); coding-DNA position 1342, one base duplicated (A; older notation c.1342dupA).
Protein change: p.Arg448fs; shifts the reading frame from arginine 448.
Molecular consequence: frameshift variant.
Genome position (GRCh38, 1-based): chr4:44,690,723, A duplicated. VCF-style (leftmost placement, unchanged base first): chr4-44690722-T-TA. GRCh37 (hg19) VCF-style: chr4-44692739-T-TA.
Other names: c.370dup, p.Arg124fs (NM_001345867.2, NM_001345869.2); c.1342dup, p.Arg448fs (NM_001345868.2); short protein forms R124fs, R448fs.
Identifiers: ClinVar variation 1973188 (VCV001973188.5), dbSNP rs2545505269, ClinGen allele CA2578077513.